The following is an entry in ClinVar:

ClinVar aggregate classification (germline): Benign/Likely benign. Review status: criteria provided, multiple submitters, no conflicts (2 of 4 stars). 3 submissions from 3 submitters: Benign (1); Likely benign (2). Last evaluated 2024-10-23.

Conditions:
Birt-Hogg-Dube syndrome 1 (BHD1). Also called: FIBROFOLLICULOMAS WITH TRICHODISCOMAS AND ACROCHORDONS. Identifiers: Orphanet 122, MedGen CN375946, MONDO:0800445, OMIM 135150.
Hereditary cancer-predisposing syndrome. Also called: Hereditary neoplastic syndrome; Hereditary Cancer Syndrome; Tumor predisposition; Neoplastic Syndromes, Hereditary. Identifiers: Orphanet 140162, MedGen C0027672, MeSH D009386, MONDO:0015356.
Birt-Hogg-Dube syndrome. Also called: Birt Hogg Dubé syndrome. Identifiers: Orphanet 122, MedGen C0346010, MONDO:0800444.

Submissions (3):

Myriad Genetics, Inc.
Classification: Benign for Birt-Hogg-Dube syndrome 1. Last evaluated: 2024-10-23. Review status: criteria provided, single submitter. Criteria: Myriad Autosomal Dominant, Autosomal Recessive and X-Linked Classification Criteria (2023). Collection method: clinical testing. Allele origin: unknown.
Comment: This variant is considered benign. This variant is a silent/synonymous amino acid change and it is not expected to impact splicing.

Labcorp Genetics (formerly Invitae), Labcorp
Classification: Likely benign for Birt-Hogg-Dube syndrome. Last evaluated: 2023-04-14. Review status: criteria provided, single submitter. Criteria: Invitae Variant Classification Sherloc (09022015). Collection method: clinical testing. Allele origin: germline.

Ambry Genetics
Classification: Likely benign for Hereditary cancer-predisposing syndrome. Last evaluated: 2020-10-29. Review status: criteria provided, single submitter. Criteria: Ambry Variant Classification Scheme 2023. Collection method: clinical testing. Allele origin: germline.

NM_144997.7(FLCN):c.678C>T (p.Phe226=)

Gene: FLCN (folliculin; minus strand). Cytogenetic location: 17p11.2.
Variant type: single nucleotide variant.
Coding change: c.678C>T on transcript NM_144997.7 (MANE Select); coding-DNA position 678, C replaced by T.
Protein change: p.Phe226=; no amino-acid change (phenylalanine 226 retained).
Molecular consequence: synonymous variant.
Genome position (GRCh38, 1-based): chr17:17,222,602, G>A on the plus strand (C>T on the coding strand, the complement: FLCN is on the minus strand). VCF-style: chr17-17222602-G-A. GRCh37 (hg19) VCF-style: chr17-17125916-G-A.
Other names: c.732C>T, p.Phe244= (NM_001353229.2); c.678C>T, p.Phe226= (NM_001353230.2, NM_001353231.2, NM_144606.7).
Identifiers: ClinVar variation 1662363 (VCV001662363.11), dbSNP rs2144950705, ClinGen allele CA498164655.